The following is an entry in ClinVar:

ClinVar aggregate classification (germline): Pathogenic/Likely pathogenic. Review status: no assertion criteria provided (0 of 4 stars). 2 submissions from 2 submitters: Pathogenic (1); Likely pathogenic (1). Last evaluated 2003-06-01.

Conditions:
Mulibrey nanism syndrome. Also called: MUSCLE-LIVER-BRAIN-EYE NANISM; PERHEENTUPA SYNDROME; PERICARDIAL CONSTRICTION AND GROWTH FAILURE. Identifiers: Orphanet 2576, MedGen C0524582, MONDO:0009664, OMIM 253250.

Allele frequency attached by ClinVar (database versions not stated): gnomAD exomes below 0.00001.
gnomAD v4.1: 1 of 1,558,584 alleles (0.000064%); highest among the groups gnomAD compares: African/African-American, 0.0014%; no homozygotes.

Submissions (2):

OMIM
Classification: Pathogenic for MULIBREY NANISM. Last evaluated: 2003-06-01. Review status: no assertion criteria provided. Collection method: literature only. Allele origin: germline.

Juha Muilu Group; Institute for Molecular Medicine Finland (FIMM)
Classification: Likely pathogenic for Mulibrey nanism syndrome. Review status: no assertion criteria provided. Collection method: not provided. Allele origin: unknown.
Comment: FinDis database variant: This variant was not found or characterized by our laboratory, data were collected from public sources: see reference
ClinVar note: Converted during submission from probable-pathogenic to Likely pathogenic.

Literature cited by the submitters: PubMed 12754710 (cited by OMIM).

NM_015294.6(TRIM37):c.810-1G>A

Gene: TRIM37 (tripartite motif containing 37; minus strand). Cytogenetic location: 17q22.
Variant type: single nucleotide variant.
Coding change: c.810-1G>A on transcript NM_015294.6 (MANE Select); the canonical splice acceptor site of the intron before coding-DNA position 810, G replaced by A.
Molecular consequence: splice acceptor variant. On other transcripts: intron variant (1).
Genome position (GRCh38, 1-based): chr17:59,064,406, C>T on the plus strand (G>A on the coding strand, the complement: TRIM37 is on the minus strand). VCF-style: chr17-59064406-C-T. GRCh37 (hg19) VCF-style: chr17-57141767-C-T.
Other names: c.810-1G>A (NM_001320989.3, NM_001005207.5, NM_001320988.3 and 1 more transcripts); c.348-1G>A (NM_001353085.2); c.708-1G>A (NM_001320987.3, NM_001353082.2); c.810-1758G>A (NM_001353086.2); c.75-1G>A (NM_001353083.2); c.444-1G>A (NM_001320990.3).
Identifiers: ClinVar variation 56571 (VCV000056571.3), dbSNP rs386834006, ClinGen allele CA144381.